The following is an entry in ClinVar:

NM_000372.5(TYR):c.1064C>G (p.Ala355Gly)

Gene: TYR (tyrosinase; plus strand). Cytogenetic location: 11q14.3.
Variant type: single nucleotide variant.
Coding change: c.1064C>G on transcript NM_000372.5 (MANE Select); coding-DNA position 1064, C replaced by G.
Protein change: p.Ala355Gly; replaces alanine 355 with glycine.
Molecular consequence: missense variant.
Genome position (GRCh38, 1-based): chr11:89,227,850, C>G. VCF-style: chr11-89227850-C-G. GRCh37 (hg19) VCF-style: chr11-88961018-C-G.
Other names: short protein forms A355G.
Identifiers: ClinVar variation 1985852 (VCV001985852.4), dbSNP rs151206295, ClinGen allele CA6221341.

ClinVar aggregate classification (germline): Likely pathogenic (1 of 4 stars; one submission).

gnomAD v4.1: 4 of 1,612,900 alleles (0.00025%); highest among the groups gnomAD compares: Admixed American, 0.0067%; no homozygotes.

Submission:

Labcorp Genetics (formerly Invitae), Labcorp
Classification: Likely pathogenic. Last evaluated: 2025-01-30. Review status: criteria provided, single submitter. Criteria: Invitae Variant Classification Sherloc (09022015). Collection method: clinical testing. Allele origin: germline.
Comment: This sequence change replaces alanine, which is neutral and non-polar, with glycine, which is neutral and non-polar, at codon 355 of the TYR protein (p.Ala355Gly). This variant is present in population databases (rs151206295, gnomAD 0.01%). This variant has not been reported in the literature in individuals affected with TYR-related conditions. ClinVar contains an entry for this variant (Variation ID: 1985852). Invitae Evidence Modeling of protein sequence and biophysical properties (such as structural, functional, and spatial information, amino acid conservation, physicochemical variation, residue mobility, and thermodynamic stability) has been performed for this missense variant. However, the output from this modeling did not meet the statistical confidence thresholds required to predict the impact of this variant on TYR protein function. This variant disrupts the p.Ala355 amino acid residue in TYR. Other variant(s) that disrupt this residue have been determined to be pathogenic (PMID: 23504663, 27734839). This suggests that this residue is clinically significant, and that variants that disrupt this residue are likely to be disease-causing. In summary, the currently available evidence indicates that the variant is pathogenic, but additional data are needed to prove that conclusively. Therefore, this variant has been classified as Likely Pathogenic.

Literature cited by the submitters: PubMed 23504663; PubMed 27734839.